The following is an entry in ClinVar:

NM_021242.6(MID1IP1):c.459G>T (p.Gly153=)

Gene: MID1IP1 (MID1 interacting protein 1; plus strand). Cytogenetic location: Xp11.4.
Variant type: single nucleotide variant.
Coding change: c.459G>T on transcript NM_021242.6 (MANE Select); coding-DNA position 459, G replaced by T.
Protein change: p.Gly153=; no amino-acid change (glycine 153 retained).
Molecular consequence: synonymous variant.
Genome position (GRCh38, 1-based): chrX:38,805,405, G>T. VCF-style: chrX-38805405-G-T. GRCh37 (hg19) VCF-style: chrX-38664658-G-T.
Other names: c.459G>T, p.Gly153= (NM_001098790.2, NM_001098791.2).
Identifiers: ClinVar variation 2660303 (VCV002660303.24), dbSNP rs781292352, ClinGen allele CA10386242.

ClinVar aggregate classification (germline): Likely benign (1 of 4 stars; one submission).

Allele frequency attached by ClinVar (database versions not stated): gnomAD exomes 0.00003; ExAC 0.00008.

Submission:

CeGaT Center for Human Genetics Tuebingen
Classification: Likely benign. Last evaluated: 2022-08-01. Review status: criteria provided, single submitter. Criteria: CeGaT Center For Human Genetics Tuebingen Variant Classification Criteria Version 2. Collection method: clinical testing. Allele origin: germline. Affected: yes. Observed: 1 variant allele.
Comment: MID1IP1: BP4, BP7